The following is an entry in ClinVar:

NM_001110556.2(FLNA):c.1130C>G (p.Ser377Ter)

Gene: FLNA (filamin A; minus strand). Cytogenetic location: Xq28.
Variant type: single nucleotide variant.
Coding change: c.1130C>G on transcript NM_001110556.2 (MANE Select); coding-DNA position 1130, C replaced by G.
Protein change: p.Ser377Ter; replaces serine 377 with a stop codon.
Molecular consequence: nonsense.
Genome position (GRCh38, 1-based): chrX:154,366,406, G>C on the plus strand (C>G on the coding strand, the complement: FLNA is on the minus strand). VCF-style: chrX-154366406-G-C. GRCh37 (hg19) VCF-style: chrX-153594774-G-C.
Other names: c.1130C>G, p.Ser377Ter (NM_001456.4); short protein forms S377*.
Identifiers: ClinVar variation 2585194 (VCV002585194.1), dbSNP rs2522761063, ClinGen allele CA415244571.

ClinVar aggregate classification (germline): Likely pathogenic (1 of 4 stars; one submission).

Conditions:
Heterotopia, periventricular, X-linked dominant (PVNH1). Also called: X-linked periventricular heterotopia; PERIVENTRICULAR NODULAR HETEROTOPIA 1; PERIVENTRICULAR NODULAR HETEROTOPIA 4; HETEROTOPIA, PERIVENTRICULAR, 1. Identifiers: Orphanet 2149, Orphanet 82004, MedGen C1848213, MONDO:0010233, OMIM 300049.

Submission:

Neuberg Centre For Genomic Medicine, NCGM
Classification: Likely pathogenic for Heterotopia, periventricular, X-linked dominant. Review status: criteria provided, single submitter. Criteria: ACMG Guidelines, 2015. Collection method: clinical testing. Allele origin: germline. Inheritance: X-linked inheritance. Affected: yes.
Comment: The stop gained variant c.1130C>G (p.Ser377Ter) in FLNA gene has not been reported previously as a pathogenic variant nor as a benign variant, to our knowledge. The variant is novel (not in any individuals) in gnomAD Exomes and 1000 Genomes. Null variant (nonsense), in gene FLNA for which loss-offunction is a known mechanism of disease. The nucleotide change in FLNA is predicted as conserved by GERP++ and PhyloP across 100 vertebrates. For these reasons, this variant has been classified as Likely Pathogenic.